The following is an entry in ClinVar:

ClinVar aggregate classification (germline): Benign. Review status: criteria provided, multiple submitters, no conflicts (2 of 4 stars). 4 submissions from 4 submitters: Benign (3). 1 of the submissions does not count toward it. Last evaluated 2026-01-26.

Allele frequency attached by ClinVar (database versions not stated): gnomAD exomes 0.00067 and 0.00175; ExAC 0.00227; 1000 Genomes Project 0.00619; 1000 Genomes Project 30x 0.00625; gnomAD 0.00695 and 0.00758; TOPMed 0.00785; ESP Exome Variant Server 0.00961.

Submissions (4):

Labcorp Genetics (formerly Invitae), Labcorp
Classification: Benign. Last evaluated: 2026-01-26. Review status: criteria provided, single submitter. Criteria: Invitae Variant Classification Sherloc (09022015). Collection method: clinical testing. Allele origin: germline.

GeneDx
Classification: Benign. Last evaluated: 2015-03-03. Review status: criteria provided, single submitter. Criteria: GeneDx Variant Classification Process June 2021. Collection method: clinical testing. Allele origin: germline. Affected: yes.

Breakthrough Genomics
Classification: Benign. Review status: criteria provided, single submitter. Criteria: ACMG Guidelines, 2015. Collection method: not provided. Allele origin: germline. Inheritance: Autosomal recessive inheritance. Affected: yes.

Genetic Services Laboratory, University of Chicago
Classification: Likely benign for AllHighlyPenetrant. Review status: no assertion criteria provided. Collection method: clinical testing. Allele origin: germline. Inheritance: Autosomal recessive inheritance. Not counted in ClinVar's aggregate classification.
Comment: Likely benign based on allele frequency in 1000 Genomes Project or ESP global frequency and its presence in a patient with a rare or unrelated disease phenotype. NOT Sanger confirmed.

NM_015426.5(POC1A):c.149C>T (p.Pro50Leu)

Gene: POC1A (POC1 centriolar protein A; minus strand). Cytogenetic location: 3p21.2.
Variant type: single nucleotide variant.
Coding change: c.149C>T on transcript NM_015426.5 (MANE Select); coding-DNA position 149, C replaced by T.
Protein change: p.Pro50Leu; replaces proline 50 with leucine.
Molecular consequence: missense variant.
Genome position (GRCh38, 1-based): chr3:52,149,942, G>A on the plus strand (C>T on the coding strand, the complement: POC1A is on the minus strand). VCF-style: chr3-52149942-G-A. GRCh37 (hg19) VCF-style: chr3-52183958-G-A.
Other names: c.149C>T, p.Pro50Leu (NM_001161580.2); c.35C>T, p.Pro12Leu (NM_001161581.2); short protein forms P12L, P50L.
Identifiers: ClinVar variation 129985 (VCV000129985.17), dbSNP rs11546882, ClinGen allele CA154721.